The following is an entry in ClinVar:

ClinVar aggregate classification (germline): Uncertain significance (1 of 4 stars; one submission).

Conditions:
Peroxisome biogenesis disorder 11A (Zellweger). Also called: Peroxisome biogenesis disorder 11A. Identifiers: Orphanet 912, MedGen C3554000, MONDO:0013949, OMIM 614883.

Submission:

Labcorp Genetics (formerly Invitae), Labcorp
Classification: Uncertain significance for Peroxisome biogenesis disorder 11A (Zellweger). Last evaluated: 2022-06-13. Review status: criteria provided, single submitter. Criteria: Invitae Variant Classification Sherloc (09022015). Collection method: clinical testing. Allele origin: germline.
Comment: In summary, the available evidence is currently insufficient to determine the role of this variant in disease. Therefore, it has been classified as a Variant of Uncertain Significance. Algorithms developed to predict the effect of missense changes on protein structure and function are either unavailable or do not agree on the potential impact of this missense change (SIFT: "Deleterious"; PolyPhen-2: "Probably Damaging"; Align-GVGD: "Class C15"). This variant has not been reported in the literature in individuals affected with PEX13-related conditions. This variant is not present in population databases (gnomAD no frequency). This sequence change replaces leucine, which is neutral and non-polar, with phenylalanine, which is neutral and non-polar, at codon 249 of the PEX13 protein (p.Leu249Phe).

NM_002618.4(PEX13):c.745C>T (p.Leu249Phe)

Gene: PEX13 (peroxisomal biogenesis factor 13; plus strand). Cytogenetic location: 2p15.
Variant type: single nucleotide variant.
Coding change: c.745C>T on transcript NM_002618.4 (MANE Select); coding-DNA position 745, C replaced by T.
Protein change: p.Leu249Phe; replaces leucine 249 with phenylalanine.
Molecular consequence: missense variant.
Genome position (GRCh38, 1-based): chr2:61,032,071, C>T. VCF-style: chr2-61032071-C-T. GRCh37 (hg19) VCF-style: chr2-61259206-C-T.
Other names: short protein forms L249F.
Identifiers: ClinVar variation 1480393 (VCV001480393.6), dbSNP rs2104803738, ClinGen allele CA346944771.